The following is an entry in ClinVar:

NM_172240.3(POC1B):c.673C>G (p.Gln225Glu)

Genes: POC1B (POC1 centriolar protein B; minus strand), POC1B-DUSP6 (POC1B-DUSP6 readthrough; minus strand). Cytogenetic location: 12q21.33.
Variant type: single nucleotide variant.
Coding change: c.673C>G on transcript NM_172240.3 (MANE Select); coding-DNA position 673, C replaced by G.
Protein change: p.Gln225Glu; replaces glutamine 225 with glutamic acid.
Molecular consequence: missense variant. On other transcripts: non-coding transcript variant (2).
Genome position (GRCh38, 1-based): chr12:89,471,617, G>C on the plus strand (C>G on the coding strand, the complement: POC1B is on the minus strand). VCF-style: chr12-89471617-G-C. GRCh37 (hg19) VCF-style: chr12-89865394-G-C.
Other names: c.547C>G, p.Gln183Glu (NM_001199777.2); short protein forms Q225E, Q183E.
Identifiers: ClinVar variation 833786 (VCV000833786.36), dbSNP rs145981936, ClinGen allele CA6714442.

ClinVar aggregate classification (germline): Likely benign. Review status: criteria provided, multiple submitters, no conflicts (2 of 4 stars). 5 submissions from 5 submitters: Likely benign (5). Last evaluated 2026-06-24.

Conditions:
POC1B-related disorder. Also called: POC1B-related condition.

Allele frequency attached by ClinVar (database versions not stated): 1000 Genomes Project 0.00020; gnomAD 0.00028; TOPMed 0.00032; ESP Exome Variant Server 0.00038; ExAC 0.00040; gnomAD exomes 0.00044; 1000 Genomes Project 30x 0.00047.
gnomAD v4.1: 350 of 1,602,244 alleles (0.022%); highest among the groups gnomAD compares: Middle Eastern, 0.5%; 1 homozygote.

Submissions (5):

PreventionGenetics, part of Exact Sciences
Classification: Likely benign for POC1B-related condition. Last evaluated: 2026-06-24. Review status: criteria provided, single submitter. Criteria: ACMG Guidelines, 2015. Collection method: clinical testing. Allele origin: germline.
Comment: This variant is classified as likely benign based on ACMG/AMP sequence variant interpretation guidelines (Richards et al. 2015 PMID: 25741868, with internal and published modifications).

Labcorp Genetics (formerly Invitae), Labcorp
Classification: Likely benign. Last evaluated: 2026-01-19. Review status: criteria provided, single submitter. Criteria: Invitae Variant Classification Sherloc (09022015). Collection method: clinical testing. Allele origin: germline.

Blueprint Genetics
Classification: Likely benign. Last evaluated: 2024-11-21. Review status: criteria provided, single submitter. Criteria: ACMG Guidelines, 2015. Collection method: clinical testing. Allele origin: germline.

CeGaT Center for Human Genetics Tuebingen
Classification: Likely benign. Last evaluated: 2022-12-01. Review status: criteria provided, single submitter. Criteria: CeGaT Center For Human Genetics Tuebingen Variant Classification Criteria Version 2. Collection method: clinical testing. Allele origin: germline. Affected: yes. Observed: 1 variant allele.
Comment: POC1B: BP4

Breakthrough Genomics
Classification: Likely benign. Review status: criteria provided, single submitter. Criteria: ACMG Guidelines, 2015. Collection method: not provided. Allele origin: germline. Inheritance: Autosomal recessive inheritance. Affected: yes.